The following is an entry in ClinVar:

NM_006231.4(POLE):c.1420G>A (p.Val474Ile)

Gene: POLE (DNA polymerase epsilon, catalytic subunit; minus strand). Cytogenetic location: 12q24.33.
Variant type: single nucleotide variant.
Coding change: c.1420G>A on transcript NM_006231.4 (MANE Select); coding-DNA position 1420, G replaced by A.
Protein change: p.Val474Ile; replaces valine 474 with isoleucine.
Molecular consequence: missense variant.
Genome position (GRCh38, 1-based): chr12:132,673,217, C>T on the plus strand (G>A on the coding strand, the complement: POLE is on the minus strand). VCF-style: chr12-132673217-C-T. GRCh37 (hg19) VCF-style: chr12-133249803-C-T.
Other names: short protein forms V474I.
Identifiers: ClinVar variation 235886 (VCV000235886.20), dbSNP rs980578884, ClinGen allele CA16044157.

ClinVar aggregate classification (germline): Uncertain significance. Review status: criteria provided, multiple submitters, no conflicts (2 of 4 stars). 6 submissions from 6 submitters: Uncertain significance (4). 2 of the submissions do not count toward it. Last evaluated 2026-01-07.

Conditions:
Colorectal cancer, susceptibility to, 12 (CRCS12). Also called: COLORECTAL CANCER, SUSCEPTIBILITY TO, ON CHROMOSOME 12q24. Identifiers: Orphanet 220460, MedGen C3554460, MONDO:0014038, OMIM 615083.
Hereditary cancer-predisposing syndrome. Also called: Tumor predisposition; Hereditary neoplastic syndrome; Hereditary Cancer Syndrome; Neoplastic Syndromes, Hereditary. Identifiers: Orphanet 140162, MedGen C0027672, MeSH D009386, MONDO:0015356.

Allele frequency attached by ClinVar (database versions not stated): gnomAD 0.00001.
gnomAD v4.1: 6 of 1,613,722 alleles (0.00037%); highest among the groups gnomAD compares: Admixed American, 0.0017%; no homozygotes.

Submissions (6):

Ambry Genetics
Classification: Uncertain significance for Hereditary cancer-predisposing syndrome. Last evaluated: 2026-01-07. Review status: criteria provided, single submitter. Criteria: Ambry Variant Classification Scheme 2023. Collection method: clinical testing. Allele origin: germline.
Comment: The p.V474I variant (also known as c.1420G>A), located in coding exon 14 of the POLE gene, results from a G to A substitution at nucleotide position 1420. The valine at codon 474 is replaced by isoleucine, an amino acid with highly similar properties. This variant has been identified in a proband who met Amsterdam I criteria for Lynch syndrome (Esteban-Jurado C et al. Oncotarget, 2017 Apr;8:26732-26743). Functional studies suggest that p.V474I will cause an increased mutation rate due to faulty proofreading activity; however, the physiological relevance of this finding is unclear (Esteban-Jurado C et al. Oncotarget, 2017 Apr;8:26732-26743). This amino acid position is highly conserved in available vertebrate species. In addition, this alteration is predicted to be tolerated by in silico analysis. Since supporting evidence is limited at this time, the clinical significance of this alteration remains unclear.

Labcorp Genetics (formerly Invitae), Labcorp
Classification: Uncertain significance. Last evaluated: 2025-09-04. Review status: criteria provided, single submitter. Criteria: Invitae Variant Classification Sherloc (09022015). Collection method: clinical testing. Allele origin: germline.
Comment: This sequence change replaces valine, which is neutral and non-polar, with isoleucine, which is neutral and non-polar, at codon 474 of the POLE protein (p.Val474Ile). This variant is not present in population databases (gnomAD no frequency). This missense change has been observed in individual(s) with colorectal cancer (PMID: 28423643). ClinVar contains an entry for this variant (Variation ID: 235886). Invitae Evidence Modeling of protein sequence and biophysical properties (such as structural, functional, and spatial information, amino acid conservation, physicochemical variation, residue mobility, and thermodynamic stability) indicates that this missense variant is not expected to disrupt POLE protein function with a negative predictive value of 80%. Experimental studies have shown that this missense change affects POLE function (PMID: 28423643). In summary, the available evidence is currently insufficient to determine the role of this variant in disease. Therefore, it has been classified as a Variant of Uncertain Significance.

Baylor Genetics
Classification: Uncertain significance for Colorectal cancer, susceptibility to, 12. Last evaluated: 2023-12-22. Review status: criteria provided, single submitter. Criteria: ACMG Guidelines, 2015. Collection method: clinical testing. Allele origin: unknown.

Myriad Genetics, Inc.
Classification: Uncertain significance for Colorectal cancer, susceptibility to, 12. Last evaluated: 2023-04-19. Review status: criteria provided, single submitter. Criteria: Myriad Autosomal Dominant, Autosomal Recessive and X-Linked Classification Criteria (2023). Collection method: clinical testing. Allele origin: unknown.
Comment: This variant is classified as a variant of uncertain significance as there is insufficient evidence to determine its impact on protein function and/or cancer risk.

Counsyl
Classification: Uncertain significance for Colorectal cancer, susceptibility to, 12. Last evaluated: 2018-03-16. Review status: no assertion criteria provided. Collection method: clinical testing. Allele origin: unknown. Not counted in ClinVar's aggregate classification.

Genetic Predisposition to Colorectal Cancer Group, Institut d’Investigacions Biomediques August Pi i Sunyer
Classification: Pathogenic for Colorectal cancer, susceptibility to, 12. Last evaluated: 2016-05-25. Review status: no assertion criteria provided. Collection method: research. Allele origin: unknown. Inheritance: Autosomal dominant inheritance. Affected: yes. Observed: 1 variant allele, 1 heterozygote. Not counted in ClinVar's aggregate classification.
Comment: The POLE c.1420G>A (p.Val474Ile) variant was not present in any of the accessed human genetic variation databases including a Spanish repository (dbSNP, 1000Genomes, Exome Variant Server, Exome Aggregation Consortium and CIBERER Spanish variant server). The affected amino acid is conserved in 100 vertebrates as well as in D. melanogaster, C. elegans and yeast, and it is very close to the C terminus end of the exonuclease domain (3 amino acids away). Analysis of the POLE structure showed that the variant may not affect DNA binding directly but it could have an indirect effect on the helical packing of the exonuclease and N-terminal domains, which could distort the physiological conformation needed for a correct polymerase activity. Also, bioinformatics tools (PolyPhen and CADD) predicted a deleterious effect for this amino acid change and protein stability predictions were also in favor of a damaging effect. Functional studies on S. pombe concluded that the mutation rate of this variant was 31 times higher when compared to the wild-type strain (P-value <0.005) but milder than the previously reported p.Leu424Val.

Literature cited by the submitters: PubMed 28423643 (cited by 4 submitters).